The following is an entry in ClinVar:

ClinVar aggregate classification (germline): Pathogenic/Likely pathogenic. Review status: criteria provided, multiple submitters, no conflicts (2 of 4 stars). 2 submissions from 2 submitters: Pathogenic (1); Likely pathogenic (1). Last evaluated 2025-02-26.

Conditions:
Dilated cardiomyopathy 1G (CMD1G). Identifiers: Orphanet 154, MedGen C1858763, MONDO:0011400, OMIM 604145.
Autosomal recessive limb-girdle muscular dystrophy type 2J (LGMDR10). Also called: Limb-girdle muscular dystrophy, type 2J; MUSCULAR DYSTROPHY, LIMB-GIRDLE, AUTOSOMAL RECESSIVE 10. Identifiers: Orphanet 140922, MedGen C1837342, MONDO:0012127, OMIM 608807.

gnomAD v4.1: 1 of 1,612,934 alleles (0.000062%); highest among the groups gnomAD compares: Non-Finnish European, 0.000085%; no homozygotes.

Submissions (2):

Labcorp Genetics (formerly Invitae), Labcorp
Classification: Likely pathogenic for Dilated cardiomyopathy 1G; Autosomal recessive limb-girdle muscular dystrophy type 2J. Last evaluated: 2025-02-26. Review status: criteria provided, single submitter. Criteria: Invitae Variant Classification Sherloc (09022015). Collection method: clinical testing. Allele origin: germline.
Comment: This sequence change creates a premature translational stop signal (p.Cys17619*) in the TTN gene. While this is not anticipated to result in nonsense mediated decay, it is expected to create a truncated TTN protein. This variant is not present in population databases (gnomAD no frequency). This variant has not been reported in the literature in individuals affected with TTN-related conditions. ClinVar contains an entry for this variant (Variation ID: 379746). This variant is located in the A band of TTN (PMID: 25589632). Truncating variants in this region are significantly overrepresented in patients affected with dilated cardiomyopathy (PMID: 25589632). Truncating variants in this region have also been reported in individuals affected with autosomal recessive centronuclear myopathy (PMID: 23975875). In summary, the currently available evidence indicates that the variant is pathogenic, but additional data are needed to prove that conclusively. Therefore, this variant has been classified as Likely Pathogenic.

GeneDx
Classification: Pathogenic. Last evaluated: 2015-05-15. Review status: criteria provided, single submitter. Criteria: GeneDx Variant Classification (06012015). Collection method: clinical testing. Allele origin: germline. Affected: yes.
Comment: The C15978X variant in the TTN gene has not been reported previously as a pathogenic variant or asa benign polymorphism, to our knowledge. C15978X is predicted to cause loss of normal protein functioneither due to production of an abnormal, prematurely truncated protein, or by absence of protein product dueto nonsense mediated mRNA decay. Other truncating TTN variants have been reported in approximately 3%of control alleles (Herman D et al., 2012). However, C15978X is located in the A-band region of titin, wherethe majority of truncating variants associated with DCM have been reported (Herman D et al., 2012).Furthermore, C15978X was not observed in approximately 6,200 individuals of European and AfricanAmerican ancestry in the NHLBI Exome Sequencing Project, indicating it is not a common benign variant inthese populations. In summary, C15978X in the TTN gene is interpreted as a pathogenic variant.

Literature cited by the submitters: PubMed 25589632 (cited by Labcorp Genetics (formerly Invitae), Labcorp); PubMed 23975875 (cited by Labcorp Genetics (formerly Invitae), Labcorp).

NM_001267550.2(TTN):c.52857C>A (p.Cys17619Ter)

Genes: TTN (titin; minus strand), TTN-AS1 (TTN antisense RNA 1; plus strand), LOC126806425 (BRD4-independent group 4 enhancer GRCh37_chr2:179471933-179473132; plus strand). Cytogenetic location: 2q31.2.
Variant type: single nucleotide variant.
Coding change: c.52857C>A on transcript NM_001267550.2 (MANE Select); coding-DNA position 52857, C replaced by A.
Protein change: p.Cys17619Ter; replaces cysteine 17619 with a stop codon.
Molecular consequence: nonsense.
Genome position (GRCh38, 1-based): chr2:178,607,930, G>T on the plus strand (C>A on the coding strand, the complement: TTN is on the minus strand). VCF-style: chr2-178607930-G-T. GRCh37 (hg19) VCF-style: chr2-179472657-G-T.
Other names: c.47934C>A, p.Cys15978Ter (NM_001256850.1); c.25662C>A, p.Cys8554Ter (NM_003319.4); c.45153C>A, p.Cys15051Ter (NM_133378.4); c.26037C>A, p.Cys8679Ter (NM_133432.3); c.26238C>A, p.Cys8746Ter (NM_133437.4); short protein forms C15978*, C17619*, C8554*, C8746*, C8679*, C15051*.
Identifiers: ClinVar variation 379746 (VCV000379746.4), dbSNP rs1057520724, ClinGen allele CA16604011.